The following is an entry in ClinVar:

NM_024685.4(BBS10):c.1909C>G (p.Leu637Val)

Gene: BBS10 (Bardet-Biedl syndrome 10; minus strand). Cytogenetic location: 12q21.2.
Variant type: single nucleotide variant.
Coding change: c.1909C>G on transcript NM_024685.4 (MANE Select); coding-DNA position 1909, C replaced by G.
Protein change: p.Leu637Val; replaces leucine 637 with valine.
Molecular consequence: missense variant.
Genome position (GRCh38, 1-based): chr12:76,346,076, G>C on the plus strand (C>G on the coding strand, the complement: BBS10 is on the minus strand). VCF-style: chr12-76346076-G-C. GRCh37 (hg19) VCF-style: chr12-76739856-G-C.
Other names: short protein forms L637V.
Identifiers: ClinVar variation 1059887 (VCV001059887.6), dbSNP rs777954013, ClinGen allele CA385809080.
Genomic context (GRCh38, chr12:76,346,076, plus strand): 5'-TATGTGGAAAGCTGTACTTTCCTGTTTTAGATTTATAAAGGACTTTGGGAATGCCTAAAA[G>C]TGCATTAGCTATTATCATACTAACCATGGTTTCTTCTGATTGATGGCATTTTTTGGCATA-3'
Protein context (NP_078961.3, residues 627-647): TMVSMIIANA[Leu637Val]LGIPKVLYKS

ClinVar aggregate classification (germline): Uncertain significance (1 of 4 stars; one submission).

Conditions:
Bardet-Biedl syndrome (BBS). Identifiers: Orphanet 110, MedGen C0752166, MONDO:0015229.

Submission:

Labcorp Genetics (formerly Invitae), Labcorp
Classification: Uncertain significance for Bardet-Biedl syndrome. Last evaluated: 2021-08-24. Review status: criteria provided, single submitter. Criteria: Invitae Variant Classification Sherloc (09022015). Collection method: clinical testing. Allele origin: germline.
Comment: This sequence change replaces leucine with valine at codon 637 of the BBS10 protein (p.Leu637Val). The leucine residue is highly conserved and there is a small physicochemical difference between leucine and valine. This variant is not present in population databases (ExAC no frequency). This variant has not been reported in the literature in individuals affected with BBS10-related conditions. Algorithms developed to predict the effect of missense changes on protein structure and function output the following: SIFT: "Deleterious"; PolyPhen-2: "Benign"; Align-GVGD: "Class C25". The valine amino acid residue is found in multiple mammalian species, which suggests that this missense change does not adversely affect protein function. In summary, the available evidence is currently insufficient to determine the role of this variant in disease. Therefore, it has been classified as a Variant of Uncertain Significance.